The following is an entry in ClinVar:

ClinVar aggregate classification (germline): Uncertain significance (1 of 4 stars; one submission).

Conditions:
LAMA2-related muscular dystrophy (LAMA2-RD). Also called: Laminin alpha 2-related dystrophy. Identifiers: MedGen C5679788, MONDO:0100228.

Allele frequency attached by ClinVar (database versions not stated): ExAC 0.00001.
gnomAD v4.1: 5 of 1,614,178 alleles (0.00031%); highest among the groups gnomAD compares: Non-Finnish European, 0.00042%; no homozygotes.

Submission:

Labcorp Genetics (formerly Invitae), Labcorp
Classification: Uncertain significance for LAMA2-related muscular dystrophy. Last evaluated: 2021-08-24. Review status: criteria provided, single submitter. Criteria: Invitae Variant Classification Sherloc (09022015). Collection method: clinical testing. Allele origin: germline.
Comment: This sequence change replaces leucine with valine at codon 1202 of the LAMA2 protein (p.Leu1202Val). The leucine residue is moderately conserved and there is a small physicochemical difference between leucine and valine. This variant is present in population databases (rs778913439, ExAC 0.001%). This variant has not been reported in the literature in individuals affected with LAMA2-related conditions. Advanced modeling of protein sequence and biophysical properties (such as structural, functional, and spatial information, amino acid conservation, physicochemical variation, residue mobility, and thermodynamic stability) performed at Invitae indicates that this missense variant is not expected to disrupt LAMA2 protein function. In summary, the available evidence is currently insufficient to determine the role of this variant in disease. Therefore, it has been classified as a Variant of Uncertain Significance.

NM_000426.4(LAMA2):c.3604C>G (p.Leu1202Val)

Gene: LAMA2 (laminin subunit alpha 2; plus strand). Cytogenetic location: 6q22.33.
Variant type: single nucleotide variant.
Coding change: c.3604C>G on transcript NM_000426.4 (MANE Select); coding-DNA position 3604, C replaced by G.
Protein change: p.Leu1202Val; replaces leucine 1202 with valine.
Molecular consequence: missense variant.
Genome position (GRCh38, 1-based): chr6:129,315,524, C>G. VCF-style: chr6-129315524-C-G. GRCh37 (hg19) VCF-style: chr6-129636669-C-G.
Other names: c.3604C>G, p.Leu1202Val (NM_001079823.2); short protein forms L1202V.
Identifiers: ClinVar variation 1468901 (VCV001468901.5), dbSNP rs778913439, ClinGen allele CA3993315.